The following is an entry in ClinVar:

ClinVar aggregate classification (germline): Likely benign (1 of 4 stars; one submission).

Submission:

CeGaT Center for Human Genetics Tuebingen
Classification: Likely benign. Last evaluated: 2026-04-01. Review status: criteria provided, single submitter. Criteria: CeGaT Center For Human Genetics Tuebingen Variant Classification Criteria Version 2. Collection method: clinical testing. Allele origin: germline. Affected: yes. Observed: 2 variant alleles.
Comment: QRICH2: BP4, BP7

NM_001388453.1(QRICH2):c.2631T>C (p.Asp877=)

Gene: QRICH2 (glutamine rich 2; minus strand). Cytogenetic location: 17q25.1.
Variant type: single nucleotide variant.
Coding change: c.2631T>C on transcript NM_001388453.1 (MANE Select); coding-DNA position 2631, T replaced by C.
Protein change: p.Asp877=; no amino-acid change (aspartic acid 877 retained).
Molecular consequence: synonymous variant.
Genome position (GRCh38, 1-based): chr17:76,292,096, A>G on the plus strand (T>C on the coding strand, the complement: QRICH2 is on the minus strand). VCF-style: chr17-76292096-A-G. GRCh37 (hg19) VCF-style: chr17-74288177-A-G.
Other names: c.2631T>C, p.Asp877= (NM_032134.3).
Identifiers: ClinVar variation 3388325 (VCV003388325.14).
Genomic context (GRCh38, chr17:76,292,096, plus strand): 5'-ATCTGCACCAGGTTGGATCAAACCACGCTGGTCCATTCCAGGTTGGACCAAACCACGCTG[A>G]TCCACTCCAGGTTGCACCAAACCACGCTGATCCACTCCAGGTTGGACCAAACCACGCTGA-3'
Protein context (NP_001375382.1, residues 867-887): DQRGLVQPGV[Asp877=]QRGLVQPGMD